The following is an entry in ClinVar:

Single allele

Genes: ALKBH6 (alkB homolog 6; minus strand), APLP1 (amyloid beta precursor like protein 1; plus strand), ARHGAP33 (Rho GTPase activating protein 33; plus strand), ATP4A (ATPase H+/K+ transporting subunit alpha; minus strand), CAPNS1 (calpain small subunit 1; plus strand) and 69 more. Cytogenetic location: 19q13.11-13.12.
Variant type: Deletion.
Identifiers: ClinVar variation 2671623 (VCV002671623.1).

ClinVar aggregate classification (germline): Pathogenic (1 of 4 stars; one submission).

Submission:

Illumina Laboratory Services, Illumina
Classification: Pathogenic. Last evaluated: 2023-09-04. Review status: criteria provided, single submitter. Criteria: ICSL CNVClassificationCriteria Aug2020. Collection method: clinical testing. Allele origin: unknown.
Comment: This CNV is a 2.1 Mb deletion of 19q13.11-19q13.12 on chromosome 19, (seq[GRCh37]del(19)(q13.11q13.12); NC_000019.9:g.35225414_37357598del) that occurred de novo. The CNV encompasses 75 protein-coding genes, including an entire deletion of the KMT2B gene. Overlapping heterozygous interstitial microdeletions at 19q13.11-19q13.12 have been associated with complex progressive childhood-onset dystonia (PMID: 27992417; 29697234; 33150406). The 19q13.11-19q13.12 deletion has not been reported in controls. Based on the available evidence, this CNV is classified as pathogenic.